The following is an entry in ClinVar:

NM_001164508.2(NEB):c.24208-7C>A

Genes: RIF1 (replication timing regulatory factor 1; plus strand), NEB (nebulin; minus strand). Cytogenetic location: 2q23.3.
Variant type: single nucleotide variant.
Coding change: c.24208-7C>A on transcript NM_001164508.2 (MANE Select); 7 bases into the intron before coding-DNA position 24208, C replaced by A.
Molecular consequence: intron variant.
Genome position (GRCh38, 1-based): chr2:151,497,725, G>T on the plus strand (C>A on the coding strand, the complement: NEB is on the minus strand). VCF-style: chr2-151497725-G-T. GRCh37 (hg19) VCF-style: chr2-152354239-G-T.
Other names: c.18826-1357C>A (NM_004543.5); c.24208-7C>A (NM_001164507.2); c.24313-7C>A (NM_001271208.2).
Identifiers: ClinVar variation 424400 (VCV000424400.10), dbSNP rs113048349, ClinGen allele CA1906124.

ClinVar aggregate classification (germline): Uncertain significance. Review status: criteria provided, multiple submitters, no conflicts (2 of 4 stars). 3 submissions from 3 submitters: Uncertain significance (2). 1 of the submissions does not count toward it. Last evaluated 2025-12-15.

Conditions:
Nemaline myopathy 2 (NEM2). Also called: Nemaline myopathy 2, autosomal recessive. Identifiers: MedGen C1850569, MONDO:0009725, OMIM 256030.

Allele frequency attached by ClinVar (database versions not stated): TOPMed 0.00006.
gnomAD v4.1: 90 of 1,567,496 alleles (0.0057%); highest among the groups gnomAD compares: African/African-American, 0.0081%; no homozygotes.

Submissions (4):

Labcorp Genetics (formerly Invitae), Labcorp
Classification: Uncertain significance for Nemaline myopathy 2. Last evaluated: 2025-12-15. Review status: criteria provided, single submitter. Criteria: Invitae Variant Classification Sherloc (09022015). Collection method: clinical testing. Allele origin: germline.
Comment: This sequence change falls in intron 171 of the NEB gene. It does not directly change the encoded amino acid sequence of the NEB protein. The frequency data for this variant in the population databases is considered unreliable, as metrics indicate poor data quality at this position in the gnomAD database. This variant has been observed in individual(s) with clinical features of nemaline myopathy (internal data). ClinVar contains an entry for this variant (Variation ID: 424400). Algorithms developed to predict the effect of sequence changes on RNA splicing suggest that this variant may disrupt the consensus splice site. In summary, the available evidence is currently insufficient to determine the role of this variant in disease. Therefore, it has been classified as a Variant of Uncertain Significance.

GeneDx
Classification: Uncertain significance. Last evaluated: 2017-09-26. Review status: criteria provided, single submitter. Criteria: GeneDx Variant Classification (06012015). Collection method: clinical testing. Allele origin: germline. Affected: yes.
Comment: A variant of uncertain significance has been identified in the NEB gene. The c.24313-7 C>A variant has not been published as a pathogenic variant, nor has it been reported as a benign variant to our knowledge. The c.24313-7 C>A variant is not observed at a significant frequency in large population cohorts (Lek et al., 2016; 1000 Genomes Consortium et al., 2015; Exome Variant Server). This substitution occurs at a position that is not conserved. Several in-silico splice prediction models predict that c.24313-7 C>A destroys the natural acceptor site for intron 171 and creates a cryptic acceptor site upstream of the natural acceptor site which may lead to abnormal gene splicing. However, in the absence of RNA/functional studies, the actual effect of this sequence change in this individual is unknown. Therefore, based on the currently available information, it is unclear whether this variant is a pathogenic variant or a rare benign variant.

Natera, Inc.
Classification: Uncertain significance for Nemaline myopathy type 2. Last evaluated: 2019-11-11. Review status: no assertion criteria provided. Collection method: clinical testing. Allele origin: germline. Not counted in ClinVar's aggregate classification.

Dr. Peter K. Rogan Lab, Western University
No classification provided (evidence only). Condition: Thyroid cancer, nonmedullary, 1. Review status: no classification provided. Collection method: in vitro. Allele origin: not applicable. Functional consequence: retained intron. Not counted in ClinVar's aggregate classification.